The following is an entry in ClinVar:

ClinVar aggregate classification (germline): Uncertain significance. Review status: criteria provided, multiple submitters, no conflicts (2 of 4 stars). 2 submissions from 2 submitters: Uncertain significance (2). Last evaluated 2025-03-29.

Conditions:
PCNT-related disorder. Also called: PCNT-related condition.

Allele frequency attached by ClinVar (database versions not stated): TOPMed below 0.00001; ExAC 0.00001; gnomAD 0.00001.
gnomAD v4.1: 24 of 1,568,398 alleles (0.0015%); highest among the groups gnomAD compares: East Asian, 0.022%; no homozygotes.

Submissions (2):

PreventionGenetics, part of Exact Sciences
Classification: Uncertain significance for PCNT-related condition. Last evaluated: 2025-03-29. Review status: criteria provided, single submitter. Criteria: ACMG Guidelines, 2015. Collection method: clinical testing. Allele origin: germline.
Comment: The PCNT c.6782G>A variant is predicted to result in the amino acid substitution p.Gly2261Glu. To our knowledge, this variant has not been reported in the literature. This variant is reported in 0.011% of alleles in individuals of East Asian descent in gnomAD. At this time, the clinical significance of this variant is uncertain due to the absence of conclusive functional and genetic evidence.

Labcorp Genetics (formerly Invitae), Labcorp
Classification: Uncertain significance. Last evaluated: 2022-03-29. Review status: criteria provided, single submitter. Criteria: Invitae Variant Classification Sherloc (09022015). Collection method: clinical testing. Allele origin: germline.
Comment: This sequence change replaces glycine, which is neutral and non-polar, with glutamic acid, which is acidic and polar, at codon 2261 of the PCNT protein (p.Gly2261Glu). This variant is present in population databases (rs747776467, gnomAD 0.01%). This variant has not been reported in the literature in individuals affected with PCNT-related conditions. Algorithms developed to predict the effect of missense changes on protein structure and function (SIFT, PolyPhen-2, Align-GVGD) all suggest that this variant is likely to be tolerated. In summary, the available evidence is currently insufficient to determine the role of this variant in disease. Therefore, it has been classified as a Variant of Uncertain Significance.

NM_006031.6(PCNT):c.6782G>A (p.Gly2261Glu)

Gene: PCNT (pericentrin; plus strand). Cytogenetic location: 21q22.3.
Variant type: single nucleotide variant.
Coding change: c.6782G>A on transcript NM_006031.6 (MANE Select); coding-DNA position 6782, G replaced by A.
Protein change: p.Gly2261Glu; replaces glycine 2261 with glutamic acid.
Molecular consequence: missense variant.
Genome position (GRCh38, 1-based): chr21:46,416,700, G>A. VCF-style: chr21-46416700-G-A. GRCh37 (hg19) VCF-style: chr21-47836614-G-A.
Other names: c.6782G>A (NM_006031.5); c.6428G>A, p.Gly2143Glu (NM_001315529.2); short protein forms G2143E, G2261E.
Identifiers: ClinVar variation 1954910 (VCV001954910.3), dbSNP rs747776467, ClinGen allele CA10080400.
Genomic context (GRCh38, chr21:46,416,700, plus strand): 5'-GCCTCCCCGTGACACCCCACTCAGGAGCCCTGAGCCTGTGCAGTGCCGACACATCCCTGG[G>A]GGACAGGGCGGACACCTCGCTGCCACAGACCCAGGGGCCGGGGCTGCTTTGTTCCCCAGG-3'
Protein context (NP_006022.3, residues 2251-2271): LSLCSADTSL[Gly2261Glu]DRADTSLPQT